The following is an entry in ClinVar:

ClinVar aggregate classification (germline): Uncertain significance. Review status: criteria provided, multiple submitters, no conflicts (2 of 4 stars). 2 submissions from 2 submitters: Uncertain significance (2). Last evaluated 2026-05-28.

Conditions:
Hereditary cancer-predisposing syndrome. Also called: Neoplastic Syndromes, Hereditary; Tumor predisposition; Hereditary Cancer Syndrome; Hereditary neoplastic syndrome. Identifiers: Orphanet 140162, MedGen C0027672, MeSH D009386, MONDO:0015356.
Oligodontia-cancer predisposition syndrome. Also called: TOOTH AGENESIS-COLORECTAL CANCER SYNDROME. Identifiers: Orphanet 300576, MedGen C1837750, MONDO:0012075, OMIM 608615. Disease mechanism: loss of function.

Submissions (2):

Ambry Genetics
Classification: Uncertain significance for Hereditary cancer-predisposing syndrome. Last evaluated: 2026-05-28. Review status: criteria provided, single submitter. Criteria: Ambry Variant Classification Scheme 2023. Collection method: clinical testing. Allele origin: germline.
Comment: The p.K486R variant (also known as c.1457A>G), located in coding exon 5 of the AXIN2 gene, results from an A to G substitution at nucleotide position 1457. The lysine at codon 486 is replaced by arginine, an amino acid with highly similar properties. This amino acid position is conserved. In addition, this alteration is predicted to be tolerated by in silico analysis. Based on the available evidence, the clinical significance of this variant remains unclear.

Labcorp Genetics (formerly Invitae), Labcorp
Classification: Uncertain significance for Oligodontia-cancer predisposition syndrome. Last evaluated: 2023-07-07. Review status: criteria provided, single submitter. Criteria: Invitae Variant Classification Sherloc (09022015). Collection method: clinical testing. Allele origin: germline.
Comment: In summary, the available evidence is currently insufficient to determine the role of this variant in disease. Therefore, it has been classified as a Variant of Uncertain Significance. This sequence change replaces lysine, which is basic and polar, with arginine, which is basic and polar, at codon 486 of the AXIN2 protein (p.Lys486Arg). This variant is not present in population databases (gnomAD no frequency). This variant has not been reported in the literature in individuals affected with AXIN2-related conditions. ClinVar contains an entry for this variant (Variation ID: 2081632). Advanced modeling of protein sequence and biophysical properties (such as structural, functional, and spatial information, amino acid conservation, physicochemical variation, residue mobility, and thermodynamic stability) performed at Invitae indicates that this missense variant is not expected to disrupt AXIN2 protein function.

NM_004655.4(AXIN2):c.1457A>G (p.Lys486Arg)

Gene: AXIN2 (axin 2; minus strand). Cytogenetic location: 17q24.1.
Variant type: single nucleotide variant.
Coding change: c.1457A>G on transcript NM_004655.4 (MANE Select); coding-DNA position 1457, A replaced by G.
Protein change: p.Lys486Arg; replaces lysine 486 with arginine.
Molecular consequence: missense variant.
Genome position (GRCh38, 1-based): chr17:65,537,579, T>C on the plus strand (A>G on the coding strand, the complement: AXIN2 is on the minus strand). VCF-style: chr17-65537579-T-C. GRCh37 (hg19) VCF-style: chr17-63533697-T-C.
Other names: c.1457A>G, p.Lys486Arg (NM_001363813.1); short protein forms K486R.
Identifiers: ClinVar variation 2081632 (VCV002081632.5), dbSNP rs2144462355, ClinGen allele CA400677461.